The following is an entry in ClinVar:

NM_004036.5(ADCY3):c.25G>C (p.Glu9Gln)

Gene: ADCY3 (adenylate cyclase 3; minus strand). Cytogenetic location: 2p23.3.
Variant type: single nucleotide variant.
Coding change: c.25G>C on transcript NM_004036.5 (MANE Select); coding-DNA position 25, G replaced by C.
Protein change: p.Glu9Gln; replaces glutamic acid 9 with glutamine.
Molecular consequence: missense variant.
Genome position (GRCh38, 1-based): chr2:24,918,963, C>G on the plus strand (G>C on the coding strand, the complement: ADCY3 is on the minus strand). VCF-style: chr2-24918963-C-G. GRCh37 (hg19) VCF-style: chr2-25141832-C-G.
Other names: c.25G>C, p.Glu9Gln (NM_001320613.2, NM_001377128.1, NM_001377129.1 and 2 more transcripts); short protein forms E9Q.
Identifiers: ClinVar variation 5001260 (VCV005001260.1).

ClinVar aggregate classification (germline): Uncertain significance (1 of 4 stars; one submission).

Conditions:
ADCY3-related disorder. Also called: ADCY3-related condition.

gnomAD v4.1: 1 of 1,595,074 alleles (0.000063%); no homozygotes.

Submission:

PreventionGenetics, part of Exact Sciences
Classification: Uncertain significance for ADCY3-related condition. Last evaluated: 2025-03-07. Review status: criteria provided, single submitter. Criteria: ACMG Guidelines, 2015. Collection method: clinical testing. Allele origin: germline.
Comment: The ADCY3 c.25G>C variant is predicted to result in the amino acid substitution p.Glu9Gln. To our knowledge, this variant has not been reported in the literature or in a large population database (gnomAD), indicating this variant is rare. At this time, the clinical significance of this variant is uncertain due to the absence of conclusive functional and genetic evidence.